The following is an entry in ClinVar:

NM_007335.4(DLEC1):c.2112+6G>C

Gene: DLEC1 (DLEC1 cilia and flagella associated protein; plus strand). Cytogenetic location: 3p22.2.
Variant type: single nucleotide variant.
Coding change: c.2112+6G>C on transcript NM_007335.4 (MANE Select); 6 bases into the intron after coding-DNA position 2112, G replaced by C.
Molecular consequence: intron variant.
Genome position (GRCh38, 1-based): chr3:38,095,077, G>C. VCF-style: chr3-38095077-G-C. GRCh37 (hg19) VCF-style: chr3-38136568-G-C.
Other names: c.2112+6G>C (NM_001321153.2, NM_007337.4).
Identifiers: ClinVar variation 2653665 (VCV002653665.24), dbSNP rs752888217, ClinGen allele CA2314237.
Genomic context (GRCh38, chr3:38,095,077, plus strand): 5'-GGTTCTAAGCCCCCACACAGACCACGAGTTCATCCTGAGCTTTTCTCCTCATGAGGTTCA[G>C]ATGGTGTCATCTCAGTAGCCACACATGGTTGGATCATGTATTTAGACCCCCCACCTGTGT-3'

ClinVar aggregate classification (germline): Likely benign (1 of 4 stars; one submission).

Allele frequency attached by ClinVar (database versions not stated): ExAC 0.00001; gnomAD 0.00001; gnomAD exomes 0.00001; TOPMed 0.00001.

Submission:

CeGaT Center for Human Genetics Tuebingen
Classification: Likely benign. Last evaluated: 2022-12-01. Review status: criteria provided, single submitter. Criteria: CeGaT Center For Human Genetics Tuebingen Variant Classification Criteria Version 2. Collection method: clinical testing. Allele origin: germline. Affected: yes. Observed: 1 variant allele.
Comment: DLEC1: BP4